The following is an entry in ClinVar:

ClinVar aggregate classification (germline): Uncertain significance (1 of 4 stars; one submission).

Conditions:
PLXNA3-related disorder. Also called: PLXNA3-related condition.

gnomAD v4.1: 19 of 1,191,567 alleles (0.0016%); highest among the groups gnomAD compares: South Asian, 0.0071%; no homozygotes.

Submission:

PreventionGenetics, part of Exact Sciences
Classification: Uncertain significance for PLXNA3-related condition. Last evaluated: 2026-02-10. Review status: criteria provided, single submitter. Criteria: ACMG Guidelines, 2015. Collection method: clinical testing. Allele origin: germline.
Comment: The PLXNA3 c.1417C>T variant is predicted to result in the amino acid substitution p.Arg473Trp. To our knowledge, this variant has not been reported in the literature. This variant is reported in 0.0077% of alleles in individuals of African descent in gnomAD. At this time, the clinical significance of this variant is uncertain due to the absence of conclusive functional and genetic evidence.

NM_017514.5(PLXNA3):c.1417C>T (p.Arg473Trp)

Gene: PLXNA3 (plexin A3; plus strand). Cytogenetic location: Xq28.
Variant type: single nucleotide variant.
Coding change: c.1417C>T on transcript NM_017514.5 (MANE Select); coding-DNA position 1417, C replaced by T.
Protein change: p.Arg473Trp; replaces arginine 473 with tryptophan.
Molecular consequence: missense variant.
Genome position (GRCh38, 1-based): chrX:154,463,490, C>T. VCF-style: chrX-154463490-C-T. GRCh37 (hg19) VCF-style: chrX-153691833-C-T.
Other names: short protein forms R473W.
Identifiers: ClinVar variation 4984049 (VCV004984049.1).